The following is an entry in ClinVar:

NM_024306.5(FA2H):c.558C>A (p.Ser186=)

Gene: FA2H (fatty acid 2-hydroxylase; minus strand). Cytogenetic location: 16q23.1.
Variant type: single nucleotide variant.
Coding change: c.558C>A on transcript NM_024306.5 (MANE Select); coding-DNA position 558, C replaced by A.
Protein change: p.Ser186=; no amino-acid change (serine 186 retained).
Molecular consequence: synonymous variant.
Genome position (GRCh38, 1-based): chr16:74,726,280, G>T on the plus strand (C>A on the coding strand, the complement: FA2H is on the minus strand). VCF-style: chr16-74726280-G-T. GRCh37 (hg19) VCF-style: chr16-74760178-G-T.
Identifiers: ClinVar variation 4874336 (VCV004874336.2).
Genomic context (GRCh38, chr16:74,726,280, plus strand): 5'-ATTACCTGTTGTAAATGACGTGAAGAGTCGGACGTTGCCCTGGGCAAAGGTTCGGTAGTA[G>T]GACCAGCTGAGATACAGCACCAGGGGCACCCAGATGATGGGGACACTGTACCTGCAGGAA-3'
Protein context (NP_077282.3, residues 176-196): WVPLVLYLSW[Ser186=]YYRTFAQGNV

ClinVar aggregate classification (germline): Likely benign (1 of 4 stars; one submission).

Submission:

CeGaT Center for Human Genetics Tuebingen
Classification: Likely benign. Last evaluated: 2026-07-01. Review status: criteria provided, single submitter. Criteria: CeGaT Center For Human Genetics Tuebingen Variant Classification Criteria Version 2. Collection method: clinical testing. Allele origin: germline. Affected: yes. Observed: 3 variant alleles.
Comment: FA2H: PM2:Supporting, BP4, BP7